The following is an entry in ClinVar:

ClinVar aggregate classification (germline): Uncertain significance (1 of 4 stars; one submission).

Submission:

GeneDx
Classification: Uncertain significance. Last evaluated: 2023-07-18. Review status: criteria provided, single submitter. Criteria: GeneDx Variant Classification Process June 2021. Collection method: clinical testing. Allele origin: germline. Affected: yes.
Comment: Not observed at significant frequency in large population cohorts (gnomAD); Has not been previously published as pathogenic or benign to our knowledge; Frameshift variant predicted to result in protein truncation or nonsense mediated decay in a gene or region of a gene for which loss of function is not a well-established mechanism of disease

NM_001376.5(DYNC1H1):c.9109del (p.Ala3037fs)

Genes: DYNC1H1 (dynein cytoplasmic 1 heavy chain 1; plus strand), LOC126862060 (BRD4-independent group 4 enhancer GRCh37_chr14:102493659-102494858; plus strand). Cytogenetic location: 14q32.31.
Variant type: Deletion.
Coding change: c.9109del on transcript NM_001376.5 (MANE Select); coding-DNA position 9109, one base deleted (G; older notation c.9109delG).
Protein change: p.Ala3037fs; shifts the reading frame from alanine 3037.
Molecular consequence: frameshift variant.
Genome position (GRCh38, 1-based): chr14:102,027,679, G deleted; the last of 5 consecutive G bases (chr14:102,027,675-102,027,679); deleting any one gives the same sequence. VCF-style (leftmost placement, unchanged base first): chr14-102027674-AG-A. GRCh37 (hg19) VCF-style: chr14-102494011-AG-A.
Other names: c.9109delG, p.Ala3037Hisfs (NM_001376.4); short protein forms A3037fs.
Identifiers: ClinVar variation 3360950 (VCV003360950.1).